The following is an entry in ClinVar:

NM_007294.4(BRCA1):c.5189A>G (p.Asn1730Ser)

Gene: BRCA1 (BRCA1 DNA repair associated; minus strand). Cytogenetic location: 17q21.31.
Variant type: single nucleotide variant.
Coding change: c.5189A>G on transcript NM_007294.4 (MANE Select); coding-DNA position 5189, A replaced by G.
Protein change: p.Asn1730Ser; replaces asparagine 1730 with serine.
Molecular consequence: missense variant. On other transcripts: non-coding transcript variant (1).
Genome position (GRCh38, 1-based): chr17:43,063,337, T>C on the plus strand (A>G on the coding strand, the complement: BRCA1 is on the minus strand). VCF-style: chr17-43063337-T-C. GRCh37 (hg19) VCF-style: chr17-41215354-T-C.
Other names: p.N1730S:AAT>AGT; 5308A>G; c.4976A>G, p.Asn1659Ser (NM_001407571.1, NM_001407904.1, NM_001407906.1 and 12 more transcripts); c.5255A>G, p.Asn1752Ser (NM_001407581.1, NM_001407582.1); c.5252A>G, p.Asn1751Ser (NM_001407583.1, NM_001407585.1, NM_001407587.1 and 1 more transcripts); c.5249A>G, p.Asn1750Ser (NM_001407590.1, NM_001407591.1); c.5189A>G, p.Asn1730Ser (NM_001407593.1, NM_001407594.1, NM_001407596.1 and 7 more transcripts); c.5186A>G, p.Asn1729Ser (NM_001407610.1, NM_001407611.1, NM_001407612.1 and 17 more transcripts); and 74 more; short protein forms N1730S, N1751S, N1683S, N626S, N1433S, N1617S, N1619S, N1642S.
Identifiers: ClinVar variation 55447 (VCV000055447.47), dbSNP rs80357171, ClinGen allele CA003331.

ClinVar aggregate classification (germline): Conflicting classifications of pathogenicity. Review status: criteria provided, conflicting classifications (1 of 4 stars). 14 submissions from 14 submitters: Uncertain significance (1); Benign (1); Likely benign (8). 4 of the submissions do not count toward it. Last evaluated 2025-12-20.

Conditions:
Fanconi anemia, complementation group S (FANCS). Identifiers: MedGen C4554406, MONDO:0054748, OMIM 617883.
BRCA1-related disorder. Also called: BRCA1-related condition.
Hereditary cancer-predisposing syndrome. Also called: Hereditary Cancer Syndrome; Tumor predisposition; Neoplastic Syndromes, Hereditary; Hereditary neoplastic syndrome. Identifiers: Orphanet 140162, MedGen C0027672, MeSH D009386, MONDO:0015356.
Hereditary breast ovarian cancer syndrome. Also called: Breast and ovarian cancer; BRCA1- and BRCA2-Associated Hereditary Breast and Ovarian Cancer; Hereditary breast and ovarian cancer; Hereditary breast and ovarian cancer syndrome (HBOC); Hereditary breast and ovarian cancer syndrome; Hereditary breast and/or ovarian cancer syndrome. Identifiers: Orphanet 145, MedGen C0677776, MeSH D061325, MONDO:0003582. Disease mechanism: loss of function.
Breast-ovarian cancer, familial, susceptibility to, 1 (BROVCA1). Also called: BRCA1 Hereditary Breast and Ovarian Cancer; OVARIAN CANCER, SUSCEPTIBILITY TO. Identifiers: Orphanet 145, MedGen C2676676, MONDO:0011450, OMIM 604370. Disease mechanism: loss of function.

Allele frequency attached by ClinVar (database versions not stated): ExAC 0.00002; gnomAD exomes 0.00002 and 0.00001; gnomAD 0.00003; TOPMed 0.00004.
gnomAD v4.1: 18 of 1,609,448 alleles (0.0011%); highest among the groups gnomAD compares: African/African-American, 0.016%; no homozygotes.

Submissions (15):

Labcorp Genetics (formerly Invitae), Labcorp
Classification: Likely benign for Hereditary breast ovarian cancer syndrome. Last evaluated: 2025-12-20. Review status: criteria provided, single submitter. Criteria: Invitae Variant Classification Sherloc (09022015). Collection method: clinical testing. Allele origin: germline.

Women's Health and Genetics/Laboratory Corporation of America, LabCorp
Classification: Likely benign. Last evaluated: 2025-07-14. Review status: criteria provided, single submitter. Criteria: LabCorp Variant Classification Summary - May 2015. Collection method: clinical testing. Allele origin: germline.
Comment: Variant summary: BRCA1 c.5189A>G (p.Asn1730Ser) results in a conservative amino acid change located in the BRCT domain (IPR001357) of the encoded protein sequence. Algorithms developed to predict the effect of missense changes on protein structure and function all suggest that this variant is likely to be tolerated. The variant allele was found at a frequency of 2e-05 in 251130 control chromosomes. The available data on variant occurrences in the general population are insufficient to allow any conclusion about variant significance. c.5189A>G has been reported in the literature in individuals affected with Hereditary Breast And Ovarian Cancer Syndrome (Pavlicek_2004, Chen_2006). These reports do not provide unequivocal conclusions about association of the variant with Hereditary Breast And Ovarian Cancer Syndrome. The variant was shown to have no protein folding defect, normal peptide binding activity and specificity, and normal transcriptional activity (Lee_2010, Findlay__2018, Fernandes_2019). The following publications have been ascertained in the context of this evaluation (PMID: 15385441, 15172985, 20516115, 14534301, 16677609, 17161371, 24845084, 30209399, 30765603, 31112341, 31294896). ClinVar contains an entry for this variant (Variation ID: 55447). Based on the evidence outlined above, the variant was classified as likely benign.

Center for Genomic Medicine, Rigshospitalet, Copenhagen University Hospital
Classification: Likely benign. Last evaluated: 2025-03-04. Review status: criteria provided, single submitter. Criteria: ACMG Guidelines, 2015. Collection method: clinical testing. Allele origin: germline.

Color Diagnostics, LLC DBA Color Health
Classification: Likely benign for Hereditary cancer-predisposing syndrome. Last evaluated: 2024-09-17. Review status: criteria provided, single submitter. Criteria: ACMG Guidelines, 2015. Collection method: clinical testing. Allele origin: germline.

CeGaT Center for Human Genetics Tuebingen
Classification: Likely benign. Last evaluated: 2024-09-01. Review status: criteria provided, single submitter. Criteria: CeGaT Center For Human Genetics Tuebingen Variant Classification Criteria Version 2. Collection method: clinical testing. Allele origin: germline. Affected: yes. Observed: 1 variant allele.
Comment: BRCA1: BP4, BS3:Supporting

Department of Pathology and Laboratory Medicine, Sinai Health System
Classification: Likely benign for Fanconi anemia, complementation group S. Last evaluated: 2024-07-22. Review status: criteria provided, single submitter. Criteria: ACMG Guidelines, 2015. Collection method: clinical testing. Allele origin: germline.

Quest Diagnostics Nichols Institute San Juan Capistrano
Classification: Likely benign. Last evaluated: 2023-03-31. Review status: criteria provided, single submitter. Criteria: Quest Diagnostics criteria. Collection method: clinical testing. Allele origin: unknown.

Ambry Genetics
Classification: Likely benign for Hereditary cancer-predisposing syndrome. Last evaluated: 2020-09-14. Review status: criteria provided, single submitter. Criteria: Ambry Variant Classification Scheme 2023. Collection method: clinical testing. Allele origin: germline.

Department of Pathology and Molecular Medicine, Queen's University
Classification: Benign. Last evaluated: 2017-04-20. Review status: criteria provided, single submitter. Criteria: ACMG Guidelines, 2015. Collection method: clinical testing. Allele origin: germline. Study: The Canadian Open Genetics Repository (COGR).

GeneDx
Classification: Uncertain significance. Last evaluated: 2016-08-21. Review status: criteria provided, single submitter. Criteria: GeneDx Variant Classification (06012015). Collection method: clinical testing. Allele origin: germline. Affected: yes.
Comment: This variant is denoted BRCA1 c.5189A>G at the cDNA level, p.Asn1730Ser (N1730S) at the protein level, and results in the change of an Asparagine to a Serine (AAT>AGT). Using alternate nomenclature, this variant would be defined as BRCA1 5308A>G. Lee et al. (2010) concluded that BRCA1 Asn1730Ser behaved similar to wild type on in vitro assays interrogating transcription, stability, and binding. BRCA1 Asn1730Ser was not observed in approximately 6,500 individuals of European and African American ancestry in the NHLBI Exome Sequencing Project, suggesting it is not a common benign variant in these populations. Since Asparagine and Serine share similar properties, this is considered a conservative amino acid substitution. BRCA1 Asn1730Ser occurs at a position that is not conserved and is located within the BRCT 1 domain and a region known to interact with multiple other proteins (Paul 2014, UniProt). In silico analyses are inconsistent regarding the effect this variant may have on protein structure and function. Based on currently available evidence, it is unclear whether BRCA1 Asn1730Ser is a pathogenic or benign variant. We consider it to be a variant of uncertain significance.

PreventionGenetics, part of Exact Sciences
Classification: Uncertain significance for BRCA1-related condition. Last evaluated: 2024-04-12. Review status: no assertion criteria provided. Collection method: clinical testing. Allele origin: germline. Not counted in ClinVar's aggregate classification.
Comment: The BRCA1 c.5189A>G variant is predicted to result in the amino acid substitution p.Asn1730Ser. To our knowledge, this variant has not been reported in the literature in association with disease. An in vitro functional study suggested that the p.Asn1730Ser change resulted in a protein that behaved similar to wild type (Supplementary figure 1B, Lee et al. 2010. PubMed ID: 20516115). This variant is reported in 0.012% of alleles in individuals of African descent in gnomAD and has conflicting interpretations regarding its pathogenicity in ClinVar, ranging from benign to uncertain. At this time, the clinical significance of this variant is uncertain due to the absence of conclusive functional and genetic evidence.

Counsyl
Classification: Uncertain significance for Breast-ovarian cancer, familial, susceptibility to, 1. Last evaluated: 2015-12-28. Review status: no assertion criteria provided. Collection method: clinical testing. Allele origin: unknown. Not counted in ClinVar's aggregate classification.

Sharing Clinical Reports Project (SCRP)
Classification: Uncertain significance for Breast-ovarian cancer, familial 1. Last evaluated: 2010-11-17. Review status: no assertion criteria provided. Collection method: clinical testing. Allele origin: germline. Not counted in ClinVar's aggregate classification.

Breast Cancer Information Core (BIC) (BRCA1)
Classification: Uncertain significance for Breast-ovarian cancer, familial 1. Last evaluated: 2002-05-29. Review status: no assertion criteria provided. Collection method: clinical testing. Allele origin: germline. Affected: yes. Observed: 1 variant allele. Not counted in ClinVar's aggregate classification.

Brotman Baty Institute, University of Washington
No classification provided (evidence only). Condition: Breast-ovarian cancer, familial 1. Review status: no classification provided. Collection method: in vitro. Allele origin: not applicable. Functional consequence: functionally_normal. Not counted in ClinVar's aggregate classification.
ClinVar note: "not provided" was previously submitted as the classification for the variant. However, the classification appeared to be based only on an observation of functional data so it was converted to no classification on 2025-07-30.

Literature cited by the submitters: PubMed 15385441 (cited by 3 submitters); PubMed 15172985 (cited by 3 submitters); PubMed 20516115 (cited by 4 submitters); PubMed 14534301 (cited by 3 submitters); PubMed 16677609 (cited by Women's Health and Genetics/Laboratory Corporation of America, LabCorp and Quest Diagnostics Nichols Institute San Juan Capistrano); PubMed 17161371 (cited by 3 submitters); PubMed 24845084 (cited by Women's Health and Genetics/Laboratory Corporation of America, LabCorp and Quest Diagnostics Nichols Institute San Juan Capistrano); PubMed 30209399 (cited by 4 submitters); PubMed 30765603 (cited by Women's Health and Genetics/Laboratory Corporation of America, LabCorp and Quest Diagnostics Nichols Institute San Juan Capistrano); PubMed 31112341 (cited by Women's Health and Genetics/Laboratory Corporation of America, LabCorp); PubMed 31294896 (cited by Women's Health and Genetics/Laboratory Corporation of America, LabCorp); PubMed 33471991 (cited by Department of Pathology and Laboratory Medicine, Sinai Health System and Quest Diagnostics Nichols Institute San Juan Capistrano); PubMed 17305420 (cited by Quest Diagnostics Nichols Institute San Juan Capistrano and Counsyl); PubMed 23704879 (cited by Quest Diagnostics Nichols Institute San Juan Capistrano and Counsyl); PubMed 31131967 (cited by Quest Diagnostics Nichols Institute San Juan Capistrano); PubMed 28781887 (cited by Quest Diagnostics Nichols Institute San Juan Capistrano and Ambry Genetics).